The following is an entry in ClinVar:

NM_000260.4(MYO7A):c.6314T>A (p.Phe2105Tyr)

Gene: MYO7A (myosin VIIA; plus strand). Cytogenetic location: 11q13.5.
Variant type: single nucleotide variant.
Coding change: c.6314T>A on transcript NM_000260.4 (MANE Select); coding-DNA position 6314, T replaced by A.
Protein change: p.Phe2105Tyr; replaces phenylalanine 2105 with tyrosine.
Molecular consequence: missense variant.
Genome position (GRCh38, 1-based): chr11:77,211,897, T>A. VCF-style: chr11-77211897-T-A. GRCh37 (hg19) VCF-style: chr11-76922942-T-A.
Other names: c.6200T>A, p.Phe2067Tyr (NM_001127180.2); c.6167T>A, p.Phe2056Tyr (NM_001369365.1); c.6314T>A (NM_000260.3); short protein forms F2067Y, F2056Y, F2105Y.
Identifiers: ClinVar variation 2139358 (VCV002139358.2), dbSNP rs769992880, ClinGen allele CA6198995.

ClinVar aggregate classification (germline): Uncertain significance. Review status: criteria provided, multiple submitters, no conflicts (2 of 4 stars). 2 submissions from 2 submitters: Uncertain significance (2). Last evaluated 2022-12-13.

Conditions:
Inborn genetic diseases. Identifiers: MedGen C0950123, MeSH D030342.

Allele frequency attached by ClinVar (database versions not stated): ExAC 0.00002; gnomAD 0.00003; gnomAD exomes 0.00004.
gnomAD v4.1: 57 of 1,613,844 alleles (0.0035%); highest among the groups gnomAD compares: Non-Finnish European, 0.0045%; no homozygotes.

Submissions (2):

Ambry Genetics
Classification: Uncertain significance for Inborn genetic diseases. Last evaluated: 2022-12-13. Review status: criteria provided, single submitter. Criteria: Ambry Variant Classification Scheme 2023. Collection method: clinical testing. Allele origin: germline.

Labcorp Genetics (formerly Invitae), Labcorp
Classification: Uncertain significance. Last evaluated: 2022-03-10. Review status: criteria provided, single submitter. Criteria: Invitae Variant Classification Sherloc (09022015). Collection method: clinical testing. Allele origin: germline.
Comment: This sequence change replaces phenylalanine, which is neutral and non-polar, with tyrosine, which is neutral and polar, at codon 2105 of the MYO7A protein (p.Phe2105Tyr). This variant is present in population databases (rs769992880, gnomAD 0.004%). This variant has not been reported in the literature in individuals affected with MYO7A-related conditions. Advanced modeling of protein sequence and biophysical properties (such as structural, functional, and spatial information, amino acid conservation, physicochemical variation, residue mobility, and thermodynamic stability) performed at Invitae indicates that this missense variant is not expected to disrupt MYO7A protein function. In summary, the available evidence is currently insufficient to determine the role of this variant in disease. Therefore, it has been classified as a Variant of Uncertain Significance.